The following is an entry in ClinVar:

NM_001267550.2(TTN):c.31072G>A (p.Glu10358Lys)

Gene: TTN (titin; minus strand). Cytogenetic location: 2q31.2.
Variant type: single nucleotide variant.
Coding change: c.31072G>A on transcript NM_001267550.2 (MANE Select); coding-DNA position 31072, G replaced by A.
Protein change: p.Glu10358Lys; replaces glutamic acid 10358 with lysine.
Molecular consequence: missense variant. On other transcripts: intron variant (3).
Genome position (GRCh38, 1-based): chr2:178,696,000, C>T on the plus strand (G>A on the coding strand, the complement: TTN is on the minus strand). VCF-style: chr2-178696000-C-T. GRCh37 (hg19) VCF-style: chr2-179560727-C-T.
Other names: c.30121G>A, p.Glu10041Lys (NM_001256850.1); c.27340G>A, p.Glu9114Lys (NM_133378.4); c.13282+42082G>A (NM_003319.4); c.13858+42082G>A (NM_133437.4); c.13657+42082G>A (NM_133432.3); short protein forms E10358K, E9114K, E10041K.
Identifiers: ClinVar variation 4981324 (VCV004981324.1), dbSNP rs778628814.

ClinVar aggregate classification (germline): Uncertain significance (1 of 4 stars; one submission).

Conditions:
TTN-related disorder. Also called: TTN-related disorders; TTN-related condition; TTN-related disease.

Allele frequency attached by ClinVar (database versions not stated): gnomAD exomes 0.00002; gnomAD 0.00003; TOPMed 0.00003.
gnomAD v4.1: 23 of 1,548,486 alleles (0.0015%); highest among the groups gnomAD compares: African/African-American, 0.0027%; no homozygotes.

Submission:

PreventionGenetics, part of Exact Sciences
Classification: Uncertain significance for TTN-related condition. Last evaluated: 2026-05-27. Review status: criteria provided, single submitter. Criteria: ACMG Guidelines, 2015. Collection method: clinical testing. Allele origin: germline.
Comment: The TTN c.31072G>A variant is predicted to result in the amino acid substitution p.Glu10358Lys. To our knowledge, this variant has not been reported in the literature. This variant is reported in 0.0045% of alleles in individuals of South Asian descent in gnomAD. At this time, the clinical significance of this variant is uncertain due to the absence of conclusive functional and genetic evidence.